The following is an entry in ClinVar:

ClinVar aggregate classification (germline): Likely benign. Review status: criteria provided, multiple submitters, no conflicts (2 of 4 stars). 2 submissions from 2 submitters: Likely benign (2). Last evaluated 2026-03-01.

Allele frequency attached by ClinVar (database versions not stated): 1000 Genomes Project 30x 0.00016; 1000 Genomes Project 0.00020; TOPMed 0.00029; gnomAD 0.00031; ESP Exome Variant Server 0.00046; ExAC 0.00058.
gnomAD v4.1: 721 of 1,613,742 alleles (0.045%); highest among the groups gnomAD compares: Middle Eastern, 0.25%; no homozygotes.

Submissions (2):

CeGaT Center for Human Genetics Tuebingen
Classification: Likely benign. Last evaluated: 2026-03-01. Review status: criteria provided, single submitter. Criteria: CeGaT Center For Human Genetics Tuebingen Variant Classification Criteria Version 2. Collection method: clinical testing. Allele origin: germline. Affected: yes. Observed: 2 variant alleles.
Comment: FLG: BP4, BP7

Blueprint Genetics
Classification: Likely benign. Last evaluated: 2024-09-23. Review status: criteria provided, single submitter. Criteria: ACMG Guidelines, 2015. Collection method: clinical testing. Allele origin: germline.

NM_002016.2(FLG):c.2643T>C (p.Asp881=)

Genes: CCDST (cervical cancer associated DHX9 suppressive transcript; plus strand), FLG (filaggrin; minus strand). Cytogenetic location: 1q21.3.
Variant type: single nucleotide variant.
Coding change: c.2643T>C on transcript NM_002016.2 (MANE Select); coding-DNA position 2643, T replaced by C.
Protein change: p.Asp881=; no amino-acid change (aspartic acid 881 retained).
Molecular consequence: synonymous variant.
Genome position (GRCh38, 1-based): chr1:152,312,243, A>G on the plus strand (T>C on the coding strand, the complement: FLG is on the minus strand). VCF-style: chr1-152312243-A-G. GRCh37 (hg19) VCF-style: chr1-152284719-A-G.
Identifiers: ClinVar variation 2639311 (VCV002639311.25), dbSNP rs138689255, ClinGen allele CA1107066.
Genomic context (GRCh38, chr1:152,312,243, plus strand): 5'-TTGTTCCTCATTACGTGTTGTTCTGCTTGCACTTCTGGATCCTGACTGCCCACGGGAGGC[A>G]TCAGACCTTCCCTGGGATGTGGTGTGGCTGTGATGGGACCCTGAGTGTCCAGACCTATCT-3'
Protein context (NP_002007.1, residues 871-891): HSHTTSQGRS[Asp881=]ASRGQSGSRS